The following is an entry in ClinVar:

ClinVar aggregate classification (germline): Uncertain significance (1 of 4 stars; one submission).

Conditions:
Ataxia-telangiectasia syndrome (AT). Also called: ATAXIA-TELANGIECTASIA, FRESNO VARIANT; ATAXIA-TELANGIECTASIA, COMPLEMENTATION GROUP A; Ataxia-telangiectasia, complementation group D; AT, COMPLEMENTATION GROUP C; Ataxia telangiectasia (A-T); LOUIS-BAR SYNDROME. Identifiers: Orphanet 100, MedGen C0004135, MONDO:0008840, OMIM 208900.

Submission:

Labcorp Genetics (formerly Invitae), Labcorp
Classification: Uncertain significance for Ataxia-telangiectasia syndrome. Last evaluated: 2021-02-17. Review status: criteria provided, single submitter. Criteria: Invitae Variant Classification Sherloc (09022015). Collection method: clinical testing. Allele origin: germline.
Comment: Advanced modeling of protein sequence and biophysical properties (such as structural, functional, and spatial information, amino acid conservation, physicochemical variation, residue mobility, and thermodynamic stability) performed at Invitae indicates that this missense variant is not expected to disrupt ATM protein function. In summary, the available evidence is currently insufficient to determine the role of this variant in disease. Therefore, it has been classified as a Variant of Uncertain Significance. This variant has not been reported in the literature in individuals with ATM-related conditions. This sequence change replaces glutamine with lysine at codon 700 of the ATM protein (p.Gln700Lys). The glutamine residue is moderately conserved and there is a small physicochemical difference between glutamine and lysine. This variant is not present in population databases (ExAC no frequency).

NM_000051.4(ATM):c.2098C>A (p.Gln700Lys)

Gene: ATM (ATM serine/threonine kinase; plus strand). Cytogenetic location: 11q22.3.
Variant type: single nucleotide variant.
Coding change: c.2098C>A on transcript NM_000051.4 (MANE Select); coding-DNA position 2098, C replaced by A.
Protein change: p.Gln700Lys; replaces glutamine 700 with lysine.
Molecular consequence: missense variant.
Genome position (GRCh38, 1-based): chr11:108,254,013, C>A. VCF-style: chr11-108254013-C-A. GRCh37 (hg19) VCF-style: chr11-108124740-C-A.
Other names: c.2098C>A, p.Gln700Lys (NM_001351834.2); short protein forms Q700K.
Identifiers: ClinVar variation 1439068 (VCV001439068.8), dbSNP rs786202743, ClinGen allele CA382537662.